The following is an entry in ClinVar:

ClinVar aggregate classification (somatic clinical impact): Tier I - Strong (1 of 4 stars; one submission).

Conditions:
Adrenal cortex carcinoma. Also called: Adrenocortical carcinoma. Identifiers: Orphanet 1501, MedGen C0206686, MeSH D018268, MONDO:0006639, HP:0006744.

Submission:

Institute for Genomic Medicine (IGM) Clinical Laboratory, Nationwide Children's Hospital
Classification: Tier I - Strong for Adrenal cortex carcinoma. Assertion type: diagnostic. Clinical significance: supports diagnosis. Last evaluated: 2023-02-17. Review status: criteria provided, single submitter. Criteria: AMP/ASCO/CAP Guidelines, 2017. Collection method: clinical testing. Allele origin: somatic. Affected: yes.
Comment: Variant has Tier I (strong) clinical significance as a diagnostic inclusion criterion in adrenal cortex carcinoma, based on the following evidence: 1) Documented in one or more cancer databases (e.g., St. Jude Pecan, COSMIC, CIViC, OncoKB). 2) Information in the literature supports potential biologic effect of variant (PMID: 29435196). 3) Diagnostic for a specific tumor type/classification based on well-powered studies with expert-level consensus (Evidence Level B; PMIDs: 16140927, 2574372, 27165744, 25490274, 24747642).

Literature cited by the submitters: PubMed 29435196; PubMed 16140927; PubMed 2574372; PubMed 27165744; PubMed 25490274; PubMed 24747642.

NM_001904.4(CTNNB1):c.100G>C (p.Gly34Arg)

Genes: CTNNB1 (catenin beta 1; plus strand), LOC126806658 (BRD4-independent group 4 enhancer GRCh37_chr3:41265899-41267098; plus strand). Cytogenetic location: 3p22.1.
Variant type: single nucleotide variant.
Coding change: c.100G>C on transcript NM_001904.4 (MANE Select); coding-DNA position 100, G replaced by C.
Protein change: p.Gly34Arg; replaces glycine 34 with arginine.
Molecular consequence: missense variant.
Genome position (GRCh38, 1-based): chr3:41,224,612, G>C. VCF-style: chr3-41224612-G-C. GRCh37 (hg19) VCF-style: chr3-41266103-G-C.
Other names: c.100G>C, p.Gly34Arg (NM_001098209.2, NM_001098210.2); c.79G>C, p.Gly27Arg (NM_001330729.2); short protein forms G34R, G27R.
Identifiers: ClinVar variation 4530131 (VCV004530131.1), dbSNP rs121913399.